The following is an entry in ClinVar:

ClinVar aggregate classification (germline): Uncertain significance. Review status: criteria provided, multiple submitters, no conflicts (2 of 4 stars). 2 submissions from 2 submitters: Uncertain significance (2). Last evaluated 2025-08-01.

Conditions:
Inborn genetic diseases. Identifiers: MedGen C0950123, MeSH D030342.

Allele frequency attached by ClinVar (database versions not stated): gnomAD exomes below 0.00001.
gnomAD v4.1: 6 of 1,614,032 alleles (0.00037%); highest among the groups gnomAD compares: Non-Finnish European, 0.00051%; no homozygotes.

Submissions (2):

Ambry Genetics
Classification: Uncertain significance for Inborn genetic diseases. Last evaluated: 2025-08-01. Review status: criteria provided, single submitter. Criteria: Ambry Variant Classification Scheme 2023. Collection method: clinical testing. Allele origin: germline.

Labcorp Genetics (formerly Invitae), Labcorp
Classification: Uncertain significance. Last evaluated: 2022-04-12. Review status: criteria provided, single submitter. Criteria: Invitae Variant Classification Sherloc (09022015). Collection method: clinical testing. Allele origin: germline.
Comment: In summary, the available evidence is currently insufficient to determine the role of this variant in disease. Therefore, it has been classified as a Variant of Uncertain Significance. Algorithms developed to predict the effect of missense changes on protein structure and function are either unavailable or do not agree on the potential impact of this missense change (SIFT: "Not Available"; PolyPhen-2: "Benign"; Align-GVGD: "Not Available"). This variant has not been reported in the literature in individuals affected with SAMD9L-related conditions. This variant is not present in population databases (gnomAD no frequency). This sequence change replaces lysine, which is basic and polar, with asparagine, which is neutral and polar, at codon 151 of the SAMD9L protein (p.Lys151Asn).

NM_152703.5(SAMD9L):c.453G>C (p.Lys151Asn)

Gene: SAMD9L (sterile alpha motif domain containing 9 like; minus strand). Cytogenetic location: 7q21.2.
Variant type: single nucleotide variant.
Coding change: c.453G>C on transcript NM_152703.5 (MANE Select); coding-DNA position 453, G replaced by C.
Protein change: p.Lys151Asn; replaces lysine 151 with asparagine.
Molecular consequence: missense variant.
Genome position (GRCh38, 1-based): chr7:93,135,519, C>G on the plus strand (G>C on the coding strand, the complement: SAMD9L is on the minus strand). VCF-style: chr7-93135519-C-G. GRCh37 (hg19) VCF-style: chr7-92764832-C-G.
Other names: c.453G>C, p.Lys151Asn (NM_001303496.3, NM_001303497.3, NM_001303498.3 and 5 more transcripts); c.453G>C (NM_152703.2); short protein forms K151N.
Identifiers: ClinVar variation 1946754 (VCV001946754.7), dbSNP rs2535438018, ClinGen allele CA368203157.
Genomic context (GRCh38, chr7:93,135,519, plus strand): 5'-GAACTGATCAAAAGGATATGGCATACAAGTCAATTGTTCAGGTTTTAGCTTACCCTTTTT[C>G]TTGTGTTTAGCATTTGCTACTTCATCTAACACATTTTCTTTCATAAGAATTGATTCTTCT-3'
Protein context (NP_689916.2, residues 141-161): VLDEVANAKH[Lys151Asn]KKGKLKPEQL